The following is an entry in ClinVar:

NM_025114.4(CEP290):c.7209+1G>A

Gene: CEP290 (centrosomal protein 290; minus strand). Cytogenetic location: 12q21.32.
Variant type: single nucleotide variant.
Coding change: c.7209+1G>A on transcript NM_025114.4 (MANE Select); the canonical splice donor site of the intron after coding-DNA position 7209, G replaced by A.
Molecular consequence: splice donor variant.
Genome position (GRCh38, 1-based): chr12:88,050,353, C>T on the plus strand (G>A on the coding strand, the complement: CEP290 is on the minus strand). VCF-style: chr12-88050353-C-T. GRCh37 (hg19) VCF-style: chr12-88444130-C-T.
Identifiers: ClinVar variation 2680597 (VCV002680597.5), dbSNP rs1420974027, ClinGen allele CA385973593.

ClinVar aggregate classification (germline): Pathogenic/Likely pathogenic. Review status: criteria provided, multiple submitters, no conflicts (2 of 4 stars). 2 submissions from 2 submitters: Pathogenic (1); Likely pathogenic (1). Last evaluated 2024-01-16.

Conditions:
Joubert syndrome. Also called: CEREBELLOPARENCHYMAL DISORDER IV; JOUBERT-BOLTSHAUSER SYNDROME; Familial aplasia of the vermis. Identifiers: Orphanet 475, MedGen C5979921, MONDO:0018772.
Nephronophthisis. Also called: Juvenile Nephronophthisis. Identifiers: Orphanet 655, MedGen C0687120, MONDO:0019005, HP:0000090.
Meckel-Gruber syndrome. Also called: DYSENCEPHALIA SPLANCHNOCYSTICA; GRUBER SYNDROME; Dysencephalia splachnocystica. Identifiers: Orphanet 564, MedGen C0265215, MONDO:0018921.
Bardet-Biedl syndrome 14 (BBS14). Identifiers: Orphanet 110, MedGen C2673874, MONDO:0014442, OMIM 615991.

Allele frequency attached by ClinVar (database versions not stated): gnomAD exomes below 0.00001.
gnomAD v4.1: 1 of 1,437,122 alleles (0.00007%); highest among the groups gnomAD compares: Non-Finnish European, 0.000097%; no homozygotes.

Submissions (2):

Baylor Genetics
Classification: Likely pathogenic for Bardet-Biedl syndrome 14. Last evaluated: 2024-01-16. Review status: criteria provided, single submitter. Criteria: ACMG Guidelines, 2015. Collection method: clinical testing. Allele origin: unknown.

Labcorp Genetics (formerly Invitae), Labcorp
Classification: Pathogenic for Joubert syndrome; Meckel-Gruber syndrome; Nephronophthisis. Last evaluated: 2023-08-17. Review status: criteria provided, single submitter. Criteria: Invitae Variant Classification Sherloc (09022015). Collection method: clinical testing. Allele origin: germline.
Comment: For these reasons, this variant has been classified as Pathogenic. This variant disrupts a region of the CEP290 protein in which other variant(s) (p.Leu2448Thrfs*8) have been determined to be pathogenic (PMID: 16682973, 16909394, 29588463). This suggests that this is a clinically significant region of the protein, and that variants that disrupt it are likely to be disease-causing. Variants that disrupt the consensus splice site are a relatively common cause of aberrant splicing (PMID: 17576681, 9536098). Algorithms developed to predict the effect of sequence changes on RNA splicing suggest that this variant may disrupt the consensus splice site. This variant has not been reported in the literature in individuals affected with CEP290-related conditions. The frequency data for this variant in the population databases is considered unreliable, as metrics indicate poor data quality at this position in the gnomAD database. This sequence change affects a donor splice site in intron 53 of the CEP290 gene. While this variant is not anticipated to result in nonsense mediated decay, it likely alters RNA splicing and results in a disrupted protein product.

Literature cited by the submitters: PubMed 16682973 (cited by Labcorp Genetics (formerly Invitae), Labcorp); PubMed 16909394 (cited by Labcorp Genetics (formerly Invitae), Labcorp); PubMed 29588463 (cited by Labcorp Genetics (formerly Invitae), Labcorp); PubMed 17576681 (cited by Labcorp Genetics (formerly Invitae), Labcorp); PubMed 9536098 (cited by Labcorp Genetics (formerly Invitae), Labcorp).